The following is an entry in ClinVar:

NM_003597.5(KLF11):c.673A>C (p.Ser225Arg)

Gene: KLF11 (KLF transcription factor 11; plus strand). Cytogenetic location: 2p25.1.
Variant type: single nucleotide variant.
Coding change: c.673A>C on transcript NM_003597.5 (MANE Select); coding-DNA position 673, A replaced by C.
Protein change: p.Ser225Arg; replaces serine 225 with arginine.
Molecular consequence: missense variant.
Genome position (GRCh38, 1-based): chr2:10,048,010, A>C. VCF-style: chr2-10048010-A-C. GRCh37 (hg19) VCF-style: chr2-10188137-A-C.
Other names: c.622A>C, p.Ser208Arg (NM_001177716.2, NM_001177718.2); short protein forms S225R, S208R.
Identifiers: ClinVar variation 893715 (VCV000893715.11), dbSNP rs200061013, ClinGen allele CA1525575.

ClinVar aggregate classification (germline): Uncertain significance. Review status: criteria provided, multiple submitters, no conflicts (2 of 4 stars). 4 submissions from 4 submitters: Uncertain significance (4). Last evaluated 2025-09-10.

Conditions:
Maturity-onset diabetes of the young type 7 (MODY7). Identifiers: Orphanet 552, MedGen C1864839, MONDO:0012513, OMIM 610508.

Allele frequency attached by ClinVar (database versions not stated): gnomAD 0.00006; TOPMed 0.00006; 1000 Genomes Project 30x 0.00016; 1000 Genomes Project 0.00020.

Submissions (4):

Labcorp Genetics (formerly Invitae), Labcorp
Classification: Uncertain significance. Last evaluated: 2025-09-10. Review status: criteria provided, single submitter. Criteria: Invitae Variant Classification Sherloc (09022015). Collection method: clinical testing. Allele origin: germline.
Comment: This sequence change replaces serine, which is neutral and polar, with arginine, which is basic and polar, at codon 225 of the KLF11 protein (p.Ser225Arg). The frequency data for this variant in the population databases is considered unreliable, as metrics indicate poor data quality at this position in the gnomAD database. This missense change has been observed in individual(s) with autoantibody-negative Type 1 diabetes mellitus (PMID: 38054414). ClinVar contains an entry for this variant (Variation ID: 893715). An algorithm developed to predict the effect of missense changes on protein structure and function outputs the following: PolyPhen-2: "Benign". The arginine amino acid residue is found in multiple mammalian species, which suggests that this missense change does not adversely affect protein function. In summary, the available evidence is currently insufficient to determine the role of this variant in disease. Therefore, it has been classified as a Variant of Uncertain Significance.

Fulgent Genetics
Classification: Uncertain significance for Maturity-onset diabetes of the young type 7. Last evaluated: 2022-03-07. Review status: criteria provided, single submitter. Criteria: ACMG Guidelines, 2015. Collection method: clinical testing. Allele origin: unknown.

Genetic Services Laboratory, University of Chicago
Classification: Uncertain significance. Last evaluated: 2018-10-11. Review status: criteria provided, single submitter. Criteria: ACMG Guidelines, 2015. Collection method: clinical testing. Allele origin: germline. Affected: no.

Illumina Laboratory Services, Illumina
Classification: Uncertain significance for Maturity-onset diabetes of the young type 7. Last evaluated: 2018-01-13. Review status: criteria provided, single submitter. Criteria: ICSL Variant Classification Criteria 13 December 2019. Collection method: clinical testing. Allele origin: germline.

Literature cited by the submitters: PubMed 38054414 (cited by Labcorp Genetics (formerly Invitae), Labcorp).